The following is an entry in ClinVar:

ClinVar aggregate classification (germline): Uncertain significance (1 of 4 stars; one submission).

gnomAD v4.1: 12 of 1,613,106 alleles (0.00074%); highest among the groups gnomAD compares: Non-Finnish European, 0.001%; no homozygotes.

Submission:

ARUP Laboratories, Molecular Genetics and Genomics, ARUP Laboratories
Classification: Uncertain significance. Last evaluated: 2025-02-25. Review status: criteria provided, single submitter. Criteria: ARUP Molecular Germline Variant Investigation Process 2024. Collection method: clinical testing. Allele origin: germline.
Comment: The TTN c.67370A>C; p.Asp22457Ala variant (rs1023600080) is rare in the general population (<0.2% allele frequency in the Genome Aggregation Database) and has not been reported in the medical literature in association with dilated cardiomyopathy (DCM) or other TTN-related disease. The clinical relevance of rare missense variants in this gene, which are identified on average once per individual sequenced in affected populations (Herman 2012), is not well understood. Yet, evidence suggests that the vast majority of such missense variants do not contribute to the clinical outcome of DCM (Begay 2015). Thus, the clinical significance of the p.Asp22457Ala variant cannot be determined with certainty. References: Begay RL et al. Role of Titin Missense Variants in Dilated Cardiomyopathy. J Am Heart Assoc. 2015 Nov 13;4(11). PMID: 26567375. Herman DS et al. Truncations of titin causing dilated cardiomyopathy. N Engl J Med. 2012 Feb 16;366(7):619-28. PMID: 22335739.

NM_001267550.2(TTN):c.67370A>C (p.Asp22457Ala)

Genes: TTN (titin; minus strand), TTN-AS1 (TTN antisense RNA 1; plus strand). Cytogenetic location: 2q31.2.
Variant type: single nucleotide variant.
Coding change: c.67370A>C on transcript NM_001267550.2 (MANE Select); coding-DNA position 67370, A replaced by C.
Protein change: p.Asp22457Ala; replaces aspartic acid 22457 with alanine.
Molecular consequence: missense variant.
Genome position (GRCh38, 1-based): chr2:178,579,827, T>G on the plus strand (A>C on the coding strand, the complement: TTN is on the minus strand). VCF-style: chr2-178579827-T-G. GRCh37 (hg19) VCF-style: chr2-179444554-T-G.
Other names: c.62447A>C, p.Asp20816Ala (NM_001256850.1); c.40175A>C, p.Asp13392Ala (NM_003319.4); c.59666A>C, p.Asp19889Ala (NM_133378.4); c.40550A>C, p.Asp13517Ala (NM_133432.3); c.40751A>C, p.Asp13584Ala (NM_133437.4); short protein forms D13392A, D13517A, D13584A, D19889A, D20816A, D22457A.
Identifiers: ClinVar variation 4685644 (VCV004685644.1).